The following is an entry in ClinVar:

ClinVar aggregate classification (germline): Uncertain significance. Review status: criteria provided, multiple submitters, no conflicts (2 of 4 stars). 2 submissions from 2 submitters: Uncertain significance (2). Last evaluated 2022-02-10.

Conditions:
Gorlin syndrome. Also called: Nevoid Basal Cell Carcinoma Syndrome; Basal cell nevus syndrome. Identifiers: Orphanet 377, MedGen C0004779, MONDO:0007187.

Submissions (2):

Labcorp Genetics (formerly Invitae), Labcorp
Classification: Uncertain significance for Gorlin syndrome. Last evaluated: 2022-02-10. Review status: criteria provided, single submitter. Criteria: Invitae Variant Classification Sherloc (09022015). Collection method: clinical testing. Allele origin: germline.
Comment: This variant is not present in population databases (gnomAD no frequency). This variant has not been reported in the literature in individuals affected with PTCH2-related conditions. ClinVar contains an entry for this variant (Variation ID: 1001003). Algorithms developed to predict the effect of missense changes on protein structure and function are either unavailable or do not agree on the potential impact of this missense change (SIFT: "Deleterious"; PolyPhen-2: "Benign"; Align-GVGD: "Class C0"). In summary, the available evidence is currently insufficient to determine the role of this variant in disease. Therefore, it has been classified as a Variant of Uncertain Significance. This sequence change replaces leucine, which is neutral and non-polar, with phenylalanine, which is neutral and non-polar, at codon 82 of the PTCH2 protein (p.Leu82Phe).

Ambry Genetics
Classification: Uncertain significance. Last evaluated: 2022-01-03. Review status: criteria provided, single submitter. Criteria: Ambry Variant Classification Scheme 2023. Collection method: clinical testing. Allele origin: germline.

NM_003738.5(PTCH2):c.246G>T (p.Leu82Phe)

Gene: PTCH2 (patched 2; minus strand). Cytogenetic location: 1p34.1.
Variant type: single nucleotide variant.
Coding change: c.246G>T on transcript NM_003738.5 (MANE Select); coding-DNA position 246, G replaced by T.
Protein change: p.Leu82Phe; replaces leucine 82 with phenylalanine.
Molecular consequence: missense variant.
Genome position (GRCh38, 1-based): chr1:44,841,866, C>A on the plus strand (G>T on the coding strand, the complement: PTCH2 is on the minus strand). VCF-style: chr1-44841866-C-A. GRCh37 (hg19) VCF-style: chr1-45307538-C-A.
Other names: c.246G>T, p.Leu82Phe (NM_001166292.2); c.246G>T (NM_003738.4); short protein forms L82F.
Identifiers: ClinVar variation 1001003 (VCV001001003.10), dbSNP rs1182782050, ClinGen allele CA340110677.